The following is an entry in ClinVar:

ClinVar aggregate classification (germline): Uncertain significance (1 of 4 stars; one submission).

Conditions:
RASopathy. Also called: Noonan spectrum disorder; rasopathies. Identifiers: Orphanet 536391, MedGen C5555857, MONDO:0021060.

Allele frequency attached by ClinVar (database versions not stated): gnomAD exomes below 0.00001.
gnomAD v4.1: 1 of 1,614,182 alleles (0.000062%); highest among the groups gnomAD compares: South Asian, 0.0011%; no homozygotes.

Submission:

Labcorp Genetics (formerly Invitae), Labcorp
Classification: Uncertain significance for RASopathy. Last evaluated: 2023-10-30. Review status: criteria provided, single submitter. Criteria: Invitae Variant Classification Sherloc (09022015). Collection method: clinical testing. Allele origin: germline.
Comment: This sequence change replaces alanine, which is neutral and non-polar, with valine, which is neutral and non-polar, at codon 786 of the CBL protein (p.Ala786Val). This variant is not present in population databases (gnomAD no frequency). This variant has not been reported in the literature in individuals affected with CBL-related conditions. Advanced modeling of protein sequence and biophysical properties (such as structural, functional, and spatial information, amino acid conservation, physicochemical variation, residue mobility, and thermodynamic stability) performed at Invitae indicates that this missense variant is not expected to disrupt CBL protein function with a negative predictive value of 95%. In summary, the available evidence is currently insufficient to determine the role of this variant in disease. Therefore, it has been classified as a Variant of Uncertain Significance.

NM_005188.4(CBL):c.2357C>T (p.Ala786Val)

Gene: CBL (Cbl proto-oncogene; plus strand). Cytogenetic location: 11q23.3.
Variant type: single nucleotide variant.
Coding change: c.2357C>T on transcript NM_005188.4 (MANE Select); coding-DNA position 2357, C replaced by T.
Protein change: p.Ala786Val; replaces alanine 786 with valine.
Molecular consequence: missense variant.
Genome position (GRCh38, 1-based): chr11:119,298,463, C>T. VCF-style: chr11-119298463-C-T. GRCh37 (hg19) VCF-style: chr11-119169173-C-T.
Other names: short protein forms A786V.
Identifiers: ClinVar variation 2714814 (VCV002714814.3), dbSNP rs2135321129, ClinGen allele CA382929648.